The following is an entry in ClinVar:

NM_000088.4(COL1A1):c.2073del (p.Gly692fs)

Gene: COL1A1 (collagen type I alpha 1 chain; minus strand). Cytogenetic location: 17q21.33.
Variant type: Deletion.
Coding change: c.2073del on transcript NM_000088.4 (MANE Select); coding-DNA position 2073, one base deleted (T; older notation c.2073delT).
Protein change: p.Gly692fs; shifts the reading frame from glycine 692.
Molecular consequence: frameshift variant.
Genome position (GRCh38, 1-based): chr17:50,191,842, A deleted on the plus strand (T on the coding strand, the reverse complement: COL1A1 is on the minus strand). VCF-style (leftmost placement, unchanged base first): chr17-50191841-CA-C. GRCh37 (hg19) VCF-style: chr17-48269202-CA-C.
Other names: c.2073delT (NM_000088.3); short protein forms G692fs.
Identifiers: ClinVar variation 503696 (VCV000503696.14), dbSNP rs72651640, ClinGen allele CA291544054.

ClinVar aggregate classification (germline): Pathogenic. Review status: criteria provided, multiple submitters, no conflicts (2 of 4 stars). 4 submissions from 4 submitters: Pathogenic (3). 1 of the submissions does not count toward it. Last evaluated 2026-09-01.

Conditions:
Osteogenesis imperfecta type I (OI1). Also called: Lobstein disease; OI, TYPE I; OSTEOGENESIS IMPERFECTA TARDA; OSTEOGENESIS IMPERFECTA WITH BLUE SCLERAE; Osteogenesis imperfecta type 1; Classic Non-deforming Osteogenesis Imperfecta with Blue Sclerae. Identifiers: Orphanet 216796, Orphanet 666, MedGen C0023931, MONDO:0008146, OMIM 166200. Disease mechanism: loss of function.
COL1A1-related disorder. Also called: COL1A1-related condition; COL1A1- related disease.
Cardiovascular phenotype. Identifiers: MedGen CN230736.

Allele frequency attached by ClinVar (database versions not stated): gnomAD exomes below 0.00001.

Submissions (4):

Ambry Genetics
Classification: Pathogenic for Cardiovascular phenotype. Last evaluated: 2026-09-01. Review status: criteria provided, single submitter. Criteria: Ambry Variant Classification Scheme 2023. Collection method: clinical testing. Allele origin: germline.
Comment: The c.2073delT pathogenic mutation, located in coding exon 31 of the COL1A1 gene, results from a deletion of one nucleotide at nucleotide position 2073, causing a translational frameshift with a predicted alternate stop codon (p.G692Vfs*74). This variant was reported in individual(s) with features consistent with COL1A1-related osteogenesis imperfecta/overlap disorder (Shi J et al. Front Pharmacol, 2019 Oct;10:1200; Morlino S et al. Clin Genet, 2020 Mar;97:396-406; Lin X et al. J Endocrinol Invest, 2024 Jan;47:67-77). This variant is considered to be rare based on population cohorts in the Genome Aggregation Database (gnomAD). This alteration is expected to result in loss of function by premature protein truncation or nonsense-mediated mRNA decay. As such, this alteration is interpreted as a disease-causing mutation.

Labcorp Genetics (formerly Invitae), Labcorp
Classification: Pathogenic for Osteogenesis imperfecta type I. Last evaluated: 2025-02-20. Review status: criteria provided, single submitter. Criteria: Invitae Variant Classification Sherloc (09022015). Collection method: clinical testing. Allele origin: germline.
Comment: This sequence change creates a premature translational stop signal (p.Gly692Valfs*74) in the COL1A1 gene. It is expected to result in an absent or disrupted protein product. Loss-of-function variants in COL1A1 are known to be pathogenic (PMID: 7942841, 9295084, 9443882). This variant is present in population databases (rs72651640, gnomAD no frequency). This premature translational stop signal has been observed in individual(s) with osteogenesis imperfecta type I (PMID: 9443882). ClinVar contains an entry for this variant (Variation ID: 503696). For these reasons, this variant has been classified as Pathogenic.

GeneDx
Classification: Pathogenic. Last evaluated: 2024-01-08. Review status: criteria provided, single submitter. Criteria: GeneDx Variant Classification Process June 2021. Collection method: clinical testing. Allele origin: germline. Affected: yes.
Comment: Identified in two affected family members with a clinical diagnosis of Ehlers-Danlos syndrome and minimal features of osteogenesis imperfecta in published literature (PMID: 31794058); Frameshift variant predicted to result in protein truncation or nonsense mediated decay in a gene for which loss-of-function is a known mechanism of disease; Not observed at a significant frequency in large population cohorts (gnomAD); This variant is associated with the following publications: (PMID: 37270749, 29946973, 35456387, 9443882, 31794058)

PreventionGenetics, part of Exact Sciences
Classification: Pathogenic for COL1A1-related condition. Last evaluated: 2024-08-14. Review status: no assertion criteria provided. Collection method: clinical testing. Allele origin: germline. Not counted in ClinVar's aggregate classification.
Comment: The COL1A1 c.2073delT variant is predicted to result in a frameshift and premature protein termination (p.Gly692Valfs*74). This variant was reported in individuals with osteogenesis imperfecta (OI) and OI/Ehlers-Danlos syndrome (Morlino et al 2019. PubMed ID: 31794058; Table S1, Lin et al 2023. PubMed ID: 37270749). This variant is reported in 0.0030% of alleles in individuals of Latino descent in gnomAD. Frameshift variants in COL1A1 are expected to be pathogenic. This variant is interpreted as pathogenic.

Literature cited by the submitters: PubMed 31680973 (cited by Ambry Genetics); PubMed 31794058 (cited by Ambry Genetics); PubMed 37270749 (cited by Ambry Genetics); PubMed 7942841 (cited by Labcorp Genetics (formerly Invitae), Labcorp); PubMed 9295084 (cited by Labcorp Genetics (formerly Invitae), Labcorp); PubMed 9443882 (cited by Labcorp Genetics (formerly Invitae), Labcorp).